The following is an entry in ClinVar:

ClinVar aggregate classification (germline): Uncertain significance (1 of 4 stars; one submission).

Submission:

Labcorp Genetics (formerly Invitae), Labcorp
Classification: Uncertain significance. Last evaluated: 2022-06-25. Review status: criteria provided, single submitter. Criteria: Invitae Variant Classification Sherloc (09022015). Collection method: clinical testing. Allele origin: germline.
Comment: This variant is not present in population databases (gnomAD no frequency). This variant has not been reported in the literature in individuals affected with COL4A2-related conditions. Advanced modeling of protein sequence and biophysical properties (such as structural, functional, and spatial information, amino acid conservation, physicochemical variation, residue mobility, and thermodynamic stability) performed at Invitae indicates that this missense variant is not expected to disrupt COL4A2 protein function. In summary, the available evidence is currently insufficient to determine the role of this variant in disease. Therefore, it has been classified as a Variant of Uncertain Significance. This sequence change replaces valine, which is neutral and non-polar, with alanine, which is neutral and non-polar, at codon 1641 of the COL4A2 protein (p.Val1641Ala).

NM_001846.4(COL4A2):c.4922T>C (p.Val1641Ala)

Gene: COL4A2 (collagen type IV alpha 2 chain; plus strand). Cytogenetic location: 13q34.
Variant type: single nucleotide variant.
Coding change: c.4922T>C on transcript NM_001846.4 (MANE Select); coding-DNA position 4922, T replaced by C.
Protein change: p.Val1641Ala; replaces valine 1641 with alanine.
Molecular consequence: missense variant.
Genome position (GRCh38, 1-based): chr13:110,511,974, T>C. VCF-style: chr13-110511974-T-C. GRCh37 (hg19) VCF-style: chr13-111164321-T-C.
Other names: short protein forms V1641A.
Identifiers: ClinVar variation 2000052 (VCV002000052.4), dbSNP rs2502226007, ClinGen allele CA388743910.
Genomic context (GRCh38, chr13:110,511,974, plus strand): 5'-CTGCCCCCCTCTCTGTGCAGCACACGGCGGCGGGAGACGAAGGCGGTGGCCAATCACTGG[T>C]GTCACCGGGCAGCTGTCTAGAGGACTTCCGCGCCACACCATTCATCGAATGCAATGGAGG-3'
Protein context (NP_001837.2, residues 1631-1651): AGDEGGGQSL[Val1641Ala]SPGSCLEDFR